The following is an entry in ClinVar:

ClinVar aggregate classification (germline): Likely benign. Review status: criteria provided, multiple submitters, no conflicts (2 of 4 stars). 4 submissions from 4 submitters: Likely benign (4). Last evaluated 2025-12-31.

Conditions:
Wolfram syndrome 1 (WFS1). Identifiers: Orphanet 3463, MedGen C4551693, MONDO:0009101, OMIM 222300.

Allele frequency attached by ClinVar (database versions not stated): gnomAD 0.00015 and 0.00014; TOPMed 0.00005; gnomAD exomes 0.00007 and 0.00009; ExAC 0.00008.
gnomAD v4.1: 121 of 1,614,106 alleles (0.0075%); highest among the groups gnomAD compares: Non-Finnish European, 0.0082%; no homozygotes.

Submissions (4):

Labcorp Genetics (formerly Invitae), Labcorp
Classification: Likely benign. Last evaluated: 2025-12-31. Review status: criteria provided, single submitter. Criteria: Invitae Variant Classification Sherloc (09022015). Collection method: clinical testing. Allele origin: germline.

Blueprint Genetics
Classification: Likely benign. Last evaluated: 2024-01-30. Review status: criteria provided, single submitter. Criteria: ACMG Guidelines, 2015. Collection method: clinical testing. Allele origin: germline.

CeGaT Center for Human Genetics Tuebingen
Classification: Likely benign. Last evaluated: 2016-06-01. Review status: criteria provided, single submitter. Criteria: CeGaT Center For Human Genetics Tuebingen Variant Classification Criteria Version 2. Collection method: clinical testing. Allele origin: germline. Affected: yes. Observed: 2 variant alleles.

Clinical Genomics, Uppaluri K&H Personalized Medicine Clinic
Classification: Likely benign for Wolfram syndrome 1. Review status: criteria provided, single submitter. Criteria: K & H Uppaluri Personalized Medicine Clinic Variant Classification & Assertion Criteria_Updated V.1. Collection method: research. Allele origin: unknown. Inheritance: Autosomal recessive inheritance.
Comment: Potent mutations in WFS1 gene are associated with Wolfram's syndrome, an autosomal recessive condition, which cause diabetes mellitus, diabetes insipidus, deafness and optic atrophy. However no sufficient evidence is found to ascertain the role of this particular variant rs773312242 in Wolfram's syndrome yet.

Literature cited by the submitters: PubMed 20738327 (cited by Clinical Genomics, Uppaluri K&H Personalized Medicine Clinic); PubMed 33879153 (cited by Clinical Genomics, Uppaluri K&H Personalized Medicine Clinic); PubMed 12955714 (cited by Clinical Genomics, Uppaluri K&H Personalized Medicine Clinic); PubMed 18060660 (cited by Clinical Genomics, Uppaluri K&H Personalized Medicine Clinic); PubMed 20301750 (cited by Clinical Genomics, Uppaluri K&H Personalized Medicine Clinic); PubMed 17603484 (cited by Clinical Genomics, Uppaluri K&H Personalized Medicine Clinic).

NM_006005.3(WFS1):c.1893C>T (p.Ser631=)

Gene: WFS1 (wolframin ER transmembrane glycoprotein; plus strand). Cytogenetic location: 4p16.1.
Variant type: single nucleotide variant.
Coding change: c.1893C>T on transcript NM_006005.3 (MANE Select); coding-DNA position 1893, C replaced by T.
Protein change: p.Ser631=; no amino-acid change (serine 631 retained).
Molecular consequence: synonymous variant.
Genome position (GRCh38, 1-based): chr4:6,301,688, C>T. VCF-style: chr4-6301688-C-T. GRCh37 (hg19) VCF-style: chr4-6303415-C-T.
Other names: c.1893C>T, p.Ser631= (NM_001145853.1).
Identifiers: ClinVar variation 724440 (VCV000724440.52), dbSNP rs773312242, ClinGen allele CA2839536.